The following is an entry in ClinVar:

NM_005068.3(SIM1):c.1032G>C (p.Leu344=)

Genes: SIM1 (SIM bHLH transcription factor 1; minus strand), SIM1-AS1 (SIM1 antisense RNA 1; plus strand). Cytogenetic location: 6q16.3.
Variant type: single nucleotide variant.
Coding change: c.1032G>C on transcript NM_005068.3 (MANE Select); coding-DNA position 1032, G replaced by C.
Protein change: p.Leu344=; no amino-acid change (leucine 344 retained).
Molecular consequence: synonymous variant.
Genome position (GRCh38, 1-based): chr6:100,420,925, C>G on the plus strand (G>C on the coding strand, the complement: SIM1 is on the minus strand). VCF-style: chr6-100420925-C-G. GRCh37 (hg19) VCF-style: chr6-100868801-C-G.
Other names: c.1032G>C, p.Leu344= (NM_001374769.1).
Identifiers: ClinVar variation 3357521 (VCV003357521.1).
Genomic context (GRCh38, chr6:100,420,925, plus strand): 5'-CATGGTGGGGGTGGAGCTGCTGGTATAGGAGAAGGCTGGTTTGGAGGCTGAGATCTGATC[C>G]AGGGAGAGCTGCAGCCCTTTGTATTCTGTGTCTCTGCAGGGTGGGAGGACAAAGCCCTTA-3'
Protein context (NP_005059.2, residues 334-354): DTEYKGLQLS[Leu344=]DQISASKPAF

ClinVar aggregate classification (germline): Likely benign (0 of 4 stars; one submission).

Conditions:
SIM1-related disorder. Also called: SIM1-related condition; SIM1-related disorders.

gnomAD v4.1: 3 of 1,613,680 alleles (0.00019%); highest among the groups gnomAD compares: Non-Finnish European, 0.00025%; no homozygotes.

Submission:

PreventionGenetics, part of Exact Sciences
Classification: Likely benign for SIM1-related condition. Last evaluated: 2021-08-04. Review status: no assertion criteria provided. Collection method: clinical testing. Allele origin: germline.
Comment: This variant is classified as likely benign based on ACMG/AMP sequence variant interpretation guidelines (Richards et al. 2015 PMID: 25741868, with internal and published modifications).